The following is an entry in ClinVar:

NM_001270974.2(HYDIN):c.5536G>A (p.Glu1846Lys)

Gene: HYDIN (HYDIN axonemal central pair apparatus protein; minus strand). Cytogenetic location: 16q22.2.
Variant type: single nucleotide variant.
Coding change: c.5536G>A on transcript NM_001270974.2 (MANE Select); coding-DNA position 5536, G replaced by A.
Protein change: p.Glu1846Lys; replaces glutamic acid 1846 with lysine.
Molecular consequence: missense variant.
Genome position (GRCh38, 1-based): chr16:70,970,603, C>T on the plus strand (G>A on the coding strand, the complement: HYDIN is on the minus strand). VCF-style: chr16-70970603-C-T. GRCh37 (hg19) VCF-style: chr16-71004506-C-T.
Other names: short protein forms E1846K.
Identifiers: ClinVar variation 1878678 (VCV001878678.2), dbSNP rs746949461, ClinGen allele CA8150514.

ClinVar aggregate classification (germline): Uncertain significance. Review status: criteria provided, multiple submitters, no conflicts (2 of 4 stars). 2 submissions from 2 submitters: Uncertain significance (2). Last evaluated 2024-03-05.

Allele frequency attached by ClinVar (database versions not stated): gnomAD 0.00004; TOPMed 0.00004; gnomAD exomes 0.00005; ExAC 0.00008.
gnomAD v4.1: 78 of 1,373,412 alleles (0.0057%); highest among the groups gnomAD compares: East Asian, 0.062%; no homozygotes.

Submissions (2):

Blueprint Genetics
Classification: Uncertain significance. Last evaluated: 2024-03-05. Review status: criteria provided, single submitter. Criteria: ACMG Guidelines, 2015. Collection method: clinical testing. Allele origin: germline.

GeneDx
Classification: Uncertain significance. Last evaluated: 2022-07-14. Review status: criteria provided, single submitter. Criteria: GeneDx Variant Classification Process June 2021. Collection method: clinical testing. Allele origin: germline. Affected: yes.
Comment: In silico analysis supports that this missense variant does not alter protein structure/function; Has not been previously published as pathogenic or benign to our knowledge